The following is an entry in ClinVar:

ClinVar aggregate classification (germline): Uncertain significance. Review status: criteria provided, multiple submitters, no conflicts (2 of 4 stars). 2 submissions from 2 submitters: Uncertain significance (2). Last evaluated 2024-02-13.

Conditions:
Early-infantile DEE. Also called: Early infantile epileptic encephalopathy; Ohtahara syndrome; Early infantile epileptic encephalopathy with suppression bursts. Identifiers: Orphanet 1934, MedGen C0393706, MONDO:0800491.
Inborn genetic diseases. Identifiers: MedGen C0950123, MeSH D030342.

Allele frequency attached by ClinVar (database versions not stated): gnomAD exomes below 0.00001.
gnomAD v4.1: 3 of 1,613,224 alleles (0.00019%); highest among the groups gnomAD compares: Non-Finnish European, 0.00025%; no homozygotes.

Submissions (2):

Ambry Genetics
Classification: Uncertain significance for Inborn genetic diseases. Last evaluated: 2024-02-13. Review status: criteria provided, single submitter. Criteria: Ambry Variant Classification Scheme 2023. Collection method: clinical testing. Allele origin: germline.

Labcorp Genetics (formerly Invitae), Labcorp
Classification: Uncertain significance for Early-infantile DEE. Last evaluated: 2019-11-16. Review status: criteria provided, single submitter. Criteria: Invitae Variant Classification Sherloc (09022015). Collection method: clinical testing. Allele origin: germline.
Comment: In summary, the available evidence is currently insufficient to determine the role of this variant in disease. Therefore, it has been classified as a Variant of Uncertain Significance. Algorithms developed to predict the effect of missense changes on protein structure and function are either unavailable or do not agree on the potential impact of this missense change (SIFT: "Deleterious"; PolyPhen-2: "Benign"; Align-GVGD: "Class C25"). This variant has not been reported in the literature in individuals with CACNA2D2-related conditions. This variant is not present in population databases (ExAC no frequency). This sequence change replaces valine with alanine at codon 957 of the CACNA2D2 protein (p.Val957Ala). The valine residue is weakly conserved and there is a small physicochemical difference between valine and alanine.

NM_006030.4(CACNA2D2):c.2870T>C (p.Val957Ala)

Genes: CACNA2D2 (calcium voltage-gated channel auxiliary subunit alpha2delta 2; minus strand), LOC101928965 (uncharacterized LOC101928965; plus strand), LOC127898564 (CYB561D2-LOC101928965; plus strand). Cytogenetic location: 3p21.31.
Variant type: single nucleotide variant.
Coding change: c.2870T>C on transcript NM_006030.4 (MANE Select); coding-DNA position 2870, T replaced by C.
Protein change: p.Val957Ala; replaces valine 957 with alanine.
Molecular consequence: missense variant. On other transcripts: non-coding transcript variant (1).
Genome position (GRCh38, 1-based): chr3:50,365,855, A>G on the plus strand (T>C on the coding strand, the complement: CACNA2D2 is on the minus strand). VCF-style: chr3-50365855-A-G. GRCh37 (hg19) VCF-style: chr3-50403286-A-G.
Other names: c.2870T>C, p.Val957Ala (NM_001005505.3); c.2891T>C, p.Val964Ala (NM_001174051.3); c.2663T>C, p.Val888Ala (NM_001291101.1); c.2891T>C (NM_001174051.1); short protein forms V888A, V957A, V964A.
Identifiers: ClinVar variation 955391 (VCV000955391.9), dbSNP rs1704238568, ClinGen allele CA352903715.